The following is an entry in ClinVar:

NM_018489.3(ASH1L):c.8236C>G (p.Pro2746Ala)

Gene: ASH1L (ASH1 like histone lysine methyltransferase; minus strand). Cytogenetic location: 1q22.
Variant type: single nucleotide variant.
Coding change: c.8236C>G on transcript NM_018489.3 (MANE Select); coding-DNA position 8236, C replaced by G.
Protein change: p.Pro2746Ala; replaces proline 2746 with alanine.
Molecular consequence: missense variant.
Genome position (GRCh38, 1-based): chr1:155,343,371, G>C on the plus strand (C>G on the coding strand, the complement: ASH1L is on the minus strand). VCF-style: chr1-155343371-G-C. GRCh37 (hg19) VCF-style: chr1-155313162-G-C.
Other names: c.8251C>G, p.Pro2751Ala (NM_001366177.2); short protein forms P2746A, P2751A.
Identifiers: ClinVar variation 3365667 (VCV003365667.1).

ClinVar aggregate classification (germline): Uncertain significance (1 of 4 stars; one submission).

Submission:

GeneDx
Classification: Uncertain significance. Last evaluated: 2023-12-18. Review status: criteria provided, single submitter. Criteria: GeneDx Variant Classification Process June 2021. Collection method: clinical testing. Allele origin: germline. Affected: yes.
Comment: Not observed at significant frequency in large population cohorts (gnomAD); In silico analysis supports that this missense variant has a deleterious effect on protein structure/function; Has not been previously published as pathogenic or benign to our knowledge